The following is an entry in ClinVar:

ClinVar aggregate classification (germline): Uncertain significance (1 of 4 stars; one submission).

gnomAD v4.1: 4 of 1,613,238 alleles (0.00025%); highest among the groups gnomAD compares: African/African-American, 0.004%; no homozygotes.

Submission:

Labcorp Genetics (formerly Invitae), Labcorp
Classification: Uncertain significance. Last evaluated: 2024-03-15. Review status: criteria provided, single submitter. Criteria: Invitae Variant Classification Sherloc (09022015). Collection method: clinical testing. Allele origin: germline.
Comment: This sequence change replaces methionine, which is neutral and non-polar, with valine, which is neutral and non-polar, at codon 59 of the CHCHD2 protein (p.Met59Val). This variant is present in population databases (rs754480071, gnomAD 0.02%). This variant has not been reported in the literature in individuals affected with CHCHD2-related conditions. An algorithm developed to predict the effect of missense changes on protein structure and function (PolyPhen-2) suggests that this variant is likely to be tolerated. In summary, the available evidence is currently insufficient to determine the role of this variant in disease. Therefore, it has been classified as a Variant of Uncertain Significance.

NM_016139.4(CHCHD2):c.175A>G (p.Met59Val)

Gene: CHCHD2 (coiled-coil-helix-coiled-coil-helix domain containing 2; minus strand). Cytogenetic location: 7p11.2.
Variant type: single nucleotide variant.
Coding change: c.175A>G on transcript NM_016139.4 (MANE Select); coding-DNA position 175, A replaced by G.
Protein change: p.Met59Val; replaces methionine 59 with valine.
Molecular consequence: missense variant.
Genome position (GRCh38, 1-based): chr7:56,104,351, T>C on the plus strand (A>G on the coding strand, the complement: CHCHD2 is on the minus strand). VCF-style: chr7-56104351-T-C. GRCh37 (hg19) VCF-style: chr7-56172044-T-C.
Other names: c.175A>G, p.Met59Val (NM_001320327.2); short protein forms M59V.
Identifiers: ClinVar variation 3664998 (VCV003664998.2).